The following is an entry in ClinVar:

ClinVar aggregate classification (germline): Benign/Likely benign. Review status: criteria provided, multiple submitters, no conflicts (2 of 4 stars). 8 submissions from 6 submitters: Benign (7); Likely benign (1). Last evaluated 2026-02-04.

Conditions:
Thrombophilia due to thrombin defect (THPH1). Also called: Thrombosis susceptibility; THROMBOPHILIA DUE TO FACTOR 2 DEFECT; Prothrombin-Related Thrombophilia (Factor II); Prothrombin Thrombophilia. Identifiers: MedGen C3160733, MONDO:0008559, OMIM 188050. Disease mechanism: gain of function, loss of function.
Congenital factor V deficiency. Also called: LABILE FACTOR DEFICIENCY; OWREN PARAHEMOPHILIA; PARAHEMOPHILIA; Hereditary factor V deficiency disease. Identifiers: Orphanet 326, MedGen C0015499, MONDO:0009210, OMIM 227400.
Budd-Chiari syndrome (BDCHS). Also called: Hepatic vein obstruction. Identifiers: Orphanet 131, MedGen C0856761, MONDO:0010947, OMIM 600880, HP:0002639.
Factor V deficiency. Also called: Reduced coagulation factor V activity. Identifiers: Orphanet 326, MedGen C4317320, MONDO:0020586, HP:0003225.

Allele frequency attached by ClinVar (database versions not stated): 1000 Genomes Project 30x 0.04435; ESP Exome Variant Server 0.04521; 1000 Genomes Project 0.04553; TOPMed 0.05140; gnomAD 0.05391 and 0.05508; ExAC 0.06175; gnomAD exomes 0.06178 and 0.06536.
gnomAD v4.1: 98,675 of 1,613,968 alleles (6.1%); highest among the groups gnomAD compares: Admixed American, 9.8%; 3,539 homozygotes.

Submissions (8):

Labcorp Genetics (formerly Invitae), Labcorp
Classification: Benign for Congenital factor V deficiency. Last evaluated: 2026-02-04. Review status: criteria provided, single submitter. Criteria: Invitae Variant Classification Sherloc (09022015). Collection method: clinical testing. Allele origin: germline.

Mayo Clinic Laboratories, Mayo Clinic
Classification: Benign. Last evaluated: 2022-10-21. Review status: criteria provided, single submitter. Criteria: ACMG Guidelines, 2015. Collection method: clinical testing. Allele origin: germline. Observed: 33 variant alleles.
Comment: BA1, BS2, BP4

GeneDx
Classification: Benign. Last evaluated: 2019-09-19. Review status: criteria provided, single submitter. Criteria: GeneDx Variant Classification Process June 2021. Collection method: clinical testing. Allele origin: germline. Affected: yes.
Comment: This variant is associated with the following publications: (PMID: 33103541)

Illumina Laboratory Services, Illumina
Classification: Benign for Budd-Chiari syndrome. Last evaluated: 2018-01-12. Review status: criteria provided, single submitter. Criteria: ICSL Variant Classification Criteria 13 December 2019. Collection method: clinical testing. Allele origin: germline.
Comment: This variant was observed in the ICSL laboratory as part of a predisposition screen in an ostensibly healthy population. It had not been previously curated by ICSL or reported in the Human Gene Mutation Database (HGMD: prior to June 1st, 2018), and was therefore a candidate for classification through an automated scoring system. Utilizing variant allele frequency, disease prevalence and penetrance estimates, and inheritance mode, an automated score was calculated to assess if this variant is too frequent to cause the disease. Based on the score and internal cut-off values, a variant classified as benign is not then subjected to further curation. The score for this variant resulted in a classification of benign for this disease.

Illumina Laboratory Services, Illumina
Classification: Benign for Venous thrombosis. Last evaluated: 2018-01-12. Review status: criteria provided, single submitter. Criteria: ICSL Variant Classification Criteria 13 December 2019. Collection method: clinical testing. Allele origin: germline.
Comment: the same text as in the submission from Illumina Laboratory Services, Illumina above.

Illumina Laboratory Services, Illumina
Classification: Benign for Congenital factor V deficiency. Last evaluated: 2018-01-12. Review status: criteria provided, single submitter. Criteria: ICSL Variant Classification Criteria 13 December 2019. Collection method: clinical testing. Allele origin: germline.
Comment: the same text as in the submission from Illumina Laboratory Services, Illumina above.

Breakthrough Genomics
Classification: Likely benign. Review status: criteria provided, single submitter. Criteria: ACMG Guidelines, 2015. Collection method: not provided. Allele origin: germline. Inheritance: Autosomal recessive inheritance. Affected: yes.

PreventionGenetics, part of Exact Sciences
Classification: Benign. Review status: criteria provided, single submitter. Criteria: ACMG Guidelines, 2015. Collection method: clinical testing. Allele origin: germline.

NM_000130.5(F5):c.2450A>C (p.Asn817Thr)

Gene: F5 (coagulation factor V; minus strand). Cytogenetic location: 1q24.2.
Variant type: single nucleotide variant.
Coding change: c.2450A>C on transcript NM_000130.5 (MANE Select); coding-DNA position 2450, A replaced by C.
Protein change: p.Asn817Thr; replaces asparagine 817 with threonine.
Molecular consequence: missense variant.
Genome position (GRCh38, 1-based): chr1:169,542,640, T>G on the plus strand (A>C on the coding strand, the complement: F5 is on the minus strand). VCF-style: chr1-169542640-T-G. GRCh37 (hg19) VCF-style: chr1-169511878-T-G.
Other names: short protein forms N817T.
Identifiers: ClinVar variation 255199 (VCV000255199.14), dbSNP rs6018, ClinGen allele CA1234086.